The following is an entry in ClinVar:

NM_000038.6(APC):c.7165A>G (p.Ser2389Gly)

Gene: APC (APC regulator of Wnt signaling pathway; plus strand). Cytogenetic location: 5q22.2.
Variant type: single nucleotide variant.
Coding change: c.7165A>G on transcript NM_000038.6 (MANE Select); coding-DNA position 7165, A replaced by G.
Protein change: p.Ser2389Gly; replaces serine 2389 with glycine.
Molecular consequence: missense variant.
Genome position (GRCh38, 1-based): chr5:112,842,759, A>G. VCF-style: chr5-112842759-A-G. GRCh37 (hg19) VCF-style: chr5-112178456-A-G.
Other names: c.7165A>G, p.Ser2389Gly (NM_001127510.3, NM_001354895.2, NM_001407450.1); c.7111A>G, p.Ser2371Gly (NM_001127511.3); c.7219A>G, p.Ser2407Gly (NM_001354896.2, NM_001407447.1, NM_001407448.1 and 1 more transcripts); c.7195A>G, p.Ser2399Gly (NM_001354897.2); c.7090A>G, p.Ser2364Gly (NM_001354898.2); c.7081A>G, p.Ser2361Gly (NM_001354899.2); c.7042A>G, p.Ser2348Gly (NM_001354900.2); c.6988A>G, p.Ser2330Gly (NM_001354901.2, NM_001407453.1); and 11 more; short protein forms S2005G, S2106G, S2260G, S2361G, S2382G, S2330G, S2348G, S2364G.
Identifiers: ClinVar variation 1911054 (VCV001911054.5), dbSNP rs2149981324, ClinGen allele CA16036935.

ClinVar aggregate classification (germline): Uncertain significance (1 of 4 stars; one submission).

Conditions:
Familial adenomatous polyposis 1 (FAP1). Also called: FAMILIAL ADENOMATOUS POLYPOSIS 1, ATTENUATED; POLYPOSIS, ADENOMATOUS INTESTINAL. Identifiers: MedGen C2713442, MONDO:0021056, OMIM 175100. Disease mechanism: loss of function.

Submission:

Labcorp Genetics (formerly Invitae), Labcorp
Classification: Uncertain significance for Familial adenomatous polyposis 1. Last evaluated: 2023-10-06. Review status: criteria provided, single submitter. Criteria: Invitae Variant Classification Sherloc (09022015). Collection method: clinical testing. Allele origin: germline.
Comment: This sequence change replaces serine, which is neutral and polar, with glycine, which is neutral and non-polar, at codon 2389 of the APC protein (p.Ser2389Gly). This variant is not present in population databases (gnomAD no frequency). This variant has not been reported in the literature in individuals affected with APC-related conditions. ClinVar contains an entry for this variant (Variation ID: 1911054). Advanced modeling of protein sequence and biophysical properties (such as structural, functional, and spatial information, amino acid conservation, physicochemical variation, residue mobility, and thermodynamic stability) performed at Invitae indicates that this missense variant is not expected to disrupt APC protein function. In summary, the available evidence is currently insufficient to determine the role of this variant in disease. Therefore, it has been classified as a Variant of Uncertain Significance.